The following is an entry in ClinVar:

ClinVar aggregate classification (germline): Uncertain significance (1 of 4 stars; one submission).

Conditions:
Congenital myotonia, autosomal recessive form. Also called: BECKER DISEASE; Becker Generalized Myotonia; myotonia congenita, autosomal recessive. Identifiers: Orphanet 614, MedGen C0751360, MONDO:0009715, OMIM 255700.
Congenital myotonia, autosomal dominant form (THD). Also called: THOMSEN DISEASE; Myotonia congenita autosomal dominant. Identifiers: Orphanet 614, MedGen C2936781, MONDO:0008055, OMIM 160800.

Allele frequency attached by ClinVar (database versions not stated): gnomAD 0.00003; TOPMed 0.00003; ESP Exome Variant Server 0.00008.
gnomAD v4.1: 40 of 1,614,040 alleles (0.0025%); highest among the groups gnomAD compares: African/African-American, 0.0053%; no homozygotes.

Submission:

Labcorp Genetics (formerly Invitae), Labcorp
Classification: Uncertain significance for Congenital myotonia, autosomal recessive form; Congenital myotonia, autosomal dominant form. Last evaluated: 2024-08-22. Review status: criteria provided, single submitter. Criteria: Invitae Variant Classification Sherloc (09022015). Collection method: clinical testing. Allele origin: germline.
Comment: This sequence change replaces aspartic acid, which is acidic and polar, with asparagine, which is neutral and polar, at codon 822 of the CLCN1 protein (p.Asp822Asn). This variant is present in population databases (rs143146088, gnomAD 0.007%). This missense change has been observed in individual(s) with clinical features of myotonia congenita (PMID: 34529042). ClinVar contains an entry for this variant (Variation ID: 2157754). Invitae Evidence Modeling of protein sequence and biophysical properties (such as structural, functional, and spatial information, amino acid conservation, physicochemical variation, residue mobility, and thermodynamic stability) has been performed for this missense variant. However, the output from this modeling did not meet the statistical confidence thresholds required to predict the impact of this variant on CLCN1 protein function. Experimental studies have shown that this missense change affects CLCN1 function (PMID: 34529042). In summary, the available evidence is currently insufficient to determine the role of this variant in disease. Therefore, it has been classified as a Variant of Uncertain Significance.

Literature cited by the submitters: PubMed 34529042.

NM_000083.3(CLCN1):c.2464G>A (p.Asp822Asn)

Gene: CLCN1 (chloride voltage-gated channel 1; plus strand). Cytogenetic location: 7q34.
Variant type: single nucleotide variant.
Coding change: c.2464G>A on transcript NM_000083.3 (MANE Select); coding-DNA position 2464, G replaced by A.
Protein change: p.Asp822Asn; replaces aspartic acid 822 with asparagine.
Molecular consequence: missense variant. On other transcripts: non-coding transcript variant (1).
Genome position (GRCh38, 1-based): chr7:143,350,432, G>A. VCF-style: chr7-143350432-G-A. GRCh37 (hg19) VCF-style: chr7-143047525-G-A.
Other names: short protein forms D822N.
Identifiers: ClinVar variation 2157754 (VCV002157754.3), dbSNP rs143146088, ClinGen allele CA168230416.
Genomic context (GRCh38, chr7:143,350,432, plus strand): 5'-ATTGAGGCCTGGGAGCAGGAGCAGCTGAGCCAGCCTGTCTGTTTTGATTCCTGCTGTATT[G>A]ACCAGTCTCCCTTCCAGCTGGTGGAGCAGACAACCCTGCACAAGGTGAGTCTTTTGCTGA-3'
Protein context (NP_000074.3, residues 812-832): QPVCFDSCCI[Asp822Asn]QSPFQLVEQT